The following is an entry in ClinVar:

NM_000543.5(SMPD1):c.1221G>A (p.Trp407Ter)

Gene: SMPD1 (sphingomyelin phosphodiesterase 1; plus strand). Cytogenetic location: 11p15.4.
Variant type: single nucleotide variant.
Coding change: c.1221G>A on transcript NM_000543.5 (MANE Select); coding-DNA position 1221, G replaced by A.
Protein change: p.Trp407Ter; replaces tryptophan 407 with a stop codon.
Molecular consequence: nonsense. On other transcripts: non-coding transcript variant (1), intron variant (1).
Genome position (GRCh38, 1-based): chr11:6,393,345, G>A. VCF-style: chr11-6393345-G-A. GRCh37 (hg19) VCF-style: chr11-6414575-G-A.
Other names: c.1218G>A, p.Trp406Ter (NM_001007593.3); c.1221G>A, p.Trp407Ter (NM_001318087.2); c.300G>A, p.Trp100Ter (NM_001318088.2); c.1132-272G>A (NM_001365135.2); short protein forms W100*, W407*, W406*.
Identifiers: ClinVar variation 2943442 (VCV002943442.3), dbSNP rs2493814324, ClinGen allele CA379373659.
Genomic context (GRCh38, chr11:6,393,345, plus strand): 5'-TTCCCGTGAGAACTTCTGGCTCTTGATCAACTCCACGGATCCCGCAGGACAGCTCCAGTG[G>A]CTGGTGGGGGAGCTTCAGGCTGCTGAGGATCGAGGAGACAAAGTGAGGGCCAGTAGTGGG-3'

ClinVar aggregate classification (germline): Pathogenic (1 of 4 stars; one submission).

Conditions:
Niemann-Pick disease, type A. Also called: SPHINGOMYELIN LIPIDOSIS; SPHINGOMYELINASE DEFICIENCY; Infantile Neurovisceral ASMD (Niemann-Pick Disease Type A; NPD-A). Identifiers: Orphanet 77292, MedGen C0268242, MONDO:0009756, OMIM 257200. Disease mechanism: loss of function.
Niemann-Pick disease, type B. Also called: Chronic Visceral ASMD (Niemann-Pick Disease Type B; NPD-B). Identifiers: Orphanet 77293, MedGen C0268243, MONDO:0011871, OMIM 607616. Disease mechanism: loss of function.

Allele frequency attached by ClinVar (database versions not stated): gnomAD exomes below 0.00001.
gnomAD v4.1: 2 of 1,614,000 alleles (0.00012%); highest among the groups gnomAD compares: Non-Finnish European, 0.000085%; no homozygotes.

Submission:

Labcorp Genetics (formerly Invitae), Labcorp
Classification: Pathogenic for Niemann-Pick disease, type B; Niemann-Pick disease, type A. Last evaluated: 2023-01-20. Review status: criteria provided, single submitter. Criteria: Invitae Variant Classification Sherloc (09022015). Collection method: clinical testing. Allele origin: germline.
Comment: This sequence change creates a premature translational stop signal (p.Trp407*) in the SMPD1 gene. It is expected to result in an absent or disrupted protein product. Loss-of-function variants in SMPD1 are known to be pathogenic (PMID: 12369017, 15221801). This variant is not present in population databases (gnomAD no frequency). This variant has not been reported in the literature in individuals affected with SMPD1-related conditions. For these reasons, this variant has been classified as Pathogenic.

Literature cited by the submitters: PubMed 12369017; PubMed 15221801.